The following is an entry in ClinVar:

NM_001035.3(RYR2):c.1152G>A (p.Met384Ile)

Gene: RYR2 (ryanodine receptor 2; plus strand). Cytogenetic location: 1q43.
Variant type: single nucleotide variant.
Coding change: c.1152G>A on transcript NM_001035.3 (MANE Select); coding-DNA position 1152, G replaced by A.
Protein change: p.Met384Ile; replaces methionine 384 with isoleucine.
Molecular consequence: missense variant.
Genome position (GRCh38, 1-based): chr1:237,441,465, G>A. VCF-style: chr1-237441465-G-A. GRCh37 (hg19) VCF-style: chr1-237604765-G-A.
Other names: short protein forms M384I.
Identifiers: ClinVar variation 1332489 (VCV001332489.2), dbSNP rs1707894967, ClinGen allele CA345376621.

ClinVar aggregate classification (germline): Uncertain significance (1 of 4 stars; one submission).

Conditions:
Cardiomyopathy (CMYO). Also called: Cardiomyopathies. Identifiers: Orphanet 167848, MedGen C0878544, MONDO:0004994, HP:0001638. Inheritance: Various modes of inheritance.

Allele frequency attached by ClinVar (database versions not stated): gnomAD exomes below 0.00001.
gnomAD v4.1: 1 of 1,591,926 alleles (0.000063%); highest among the groups gnomAD compares: Non-Finnish European, 0.000086%; no homozygotes.

Submission:

Color Diagnostics, LLC DBA Color Health
Classification: Uncertain significance for Cardiomyopathy. Last evaluated: 2021-03-24. Review status: criteria provided, single submitter. Criteria: ACMG Guidelines, 2015. Collection method: clinical testing. Allele origin: germline.
Comment: This missense variant replaces methionine with isoleucine at codon 384 of the RYR2 protein. Computational prediction suggests that this variant may not impact protein structure and function (internally defined REVEL score threshold <= 0.5, PMID: 27666373). To our knowledge, functional studies have not been reported for this variant. This variant has not been reported in individuals affected with cardiovascular disorders in the literature. This variant has not been identified in the general population by the Genome Aggregation Database (gnomAD). The available evidence is insufficient to determine the role of this variant in disease conclusively. Therefore, this variant is classified as a Variant of Uncertain Significance.